The following is an entry in ClinVar:

NM_000185.4(SERPIND1):c.557_558del (p.Phe186fs)

Genes: PI4KA (phosphatidylinositol 4-kinase alpha; minus strand), SERPIND1 (serpin family D member 1; plus strand). Cytogenetic location: 22q11.21.
Variant type: Deletion.
Coding change: c.557_558del on transcript NM_000185.4 (MANE Select); coding-DNA positions 557 to 558, 2 bases deleted (TT; older notation c.557_558delTT).
Protein change: p.Phe186fs; shifts the reading frame from phenylalanine 186.
Molecular consequence: frameshift variant. On other transcripts: intron variant (3).
Genome position (GRCh38, 1-based): chr22:20,779,869-20,779,870, TT deleted; deleting any 2 consecutive bases within chr22:20,779,868-20,779,870 gives the same sequence; the c. name uses the placement nearest the transcript's 3' end. VCF-style (leftmost placement, unchanged base first): chr22-20779867-CTT-C. GRCh37 (hg19) VCF-style: chr22-21134155-CTT-C.
Other names: c.2262+13324_2262+13325del (NM_001362863.2); c.2328+13324_2328+13325del (NM_001362862.2, NM_058004.4); short protein forms F186fs.
Identifiers: ClinVar variation 3381926 (VCV003381926.2).

ClinVar aggregate classification (germline): Uncertain significance (1 of 4 stars; one submission).

Conditions:
Heparin cofactor II deficiency. Also called: Heparin cofactor 2 deficiency; HCF II DEFICIENCY; HCF2 DEFICIENCY; THROMBOPHILIA DUE TO HEPARIN COFACTOR II DEFICIENCY. Identifiers: MedGen C0398626, MONDO:0012876, OMIM 612356.

Submission:

Juno Genomics, Hangzhou Juno Genomics, Inc
Classification: Uncertain significance for Heparin cofactor II deficiency. Review status: criteria provided, single submitter. Criteria: ACMG Guidelines, 2015. Collection method: clinical testing. Allele origin: germline. Affected: yes.
Comment: Absent from controls (or at extremely low frequency if recessive) in Genome Aggregation Database, Exome Sequencing Project, 1000 Genomes Project, or Exome Aggregation Consortium.